The following is an entry in ClinVar:

NM_001655.5(ARCN1):c.508C>T (p.Arg170Ter)

Gene: ARCN1 (archain 1 coat protein complex I subunit delta; plus strand). Cytogenetic location: 11q23.3.
Variant type: single nucleotide variant.
Coding change: c.508C>T on transcript NM_001655.5 (MANE Select); coding-DNA position 508, C replaced by T.
Protein change: p.Arg170Ter; replaces arginine 170 with a stop codon.
Molecular consequence: nonsense.
Genome position (GRCh38, 1-based): chr11:118,583,869, C>T. VCF-style: chr11-118583869-C-T. GRCh37 (hg19) VCF-style: chr11-118454584-C-T.
Other names: c.244C>T, p.Arg82Ter (NM_001142281.2); short protein forms R170*, R82*.
Identifiers: ClinVar variation 1698855 (VCV001698855.7), dbSNP rs1018525321, ClinGen allele CA382805246.

ClinVar aggregate classification (germline): Pathogenic. Review status: criteria provided, multiple submitters, no conflicts (2 of 4 stars). 4 submissions from 4 submitters: Pathogenic (4). Last evaluated 2025-07-31.

Conditions:
Short stature, rhizomelic, with microcephaly, micrognathia, and developmental delay (SSMG). Also called: SHORT STATURE-MICROGNATHIA SYNDROME. Identifiers: Orphanet 659702, MedGen C4310686, MONDO:0014948, OMIM 617164.

gnomAD v4.1: 1 of 1,614,118 alleles (0.000062%); highest among the groups gnomAD compares: Non-Finnish European, 0.000085%; no homozygotes.

Submissions (4):

Institute of Human Genetics, University of Leipzig Medical Center
Classification: Pathogenic for Short stature, rhizomelic, with microcephaly, micrognathia, and developmental delay. Last evaluated: 2025-07-31. Review status: criteria provided, single submitter. Criteria: ACMG Guidelines, 2015. Collection method: clinical testing. Allele origin: de novo. Inheritance: Autosomal dominant inheritance. Affected: yes.
Comment: Criteria applied: PVS1,PS2_VSTR,PS4_MOD,PM2_SUP

Institute of Medical Genetics and Applied Genomics, University Hospital Tübingen
Classification: Pathogenic for Short stature, rhizomelic, with microcephaly, micrognathia, and developmental delay. Last evaluated: 2025-05-07. Review status: criteria provided, single submitter. Criteria: ACMG Guidelines, 2015. Collection method: clinical testing. Allele origin: germline. Inheritance: Autosomal dominant inheritance. Affected: yes.

Duke University Health System Sequencing Clinic, Duke University Health System
Classification: Pathogenic for Short stature, rhizomelic, with microcephaly, micrognathia, and developmental delay. Last evaluated: 2023-04-20. Review status: criteria provided, single submitter. Criteria: ACMG Guidelines, 2015. Collection method: research. Allele origin: de novo. Affected: yes.

Genetics and Molecular Pathology, SA Pathology
Classification: Pathogenic for Short stature, rhizomelic, with microcephaly, micrognathia, and developmental delay. Last evaluated: 2021-06-01. Review status: criteria provided, single submitter. Criteria: ACMG Guidelines, 2015. Collection method: clinical testing. Allele origin: germline. Inheritance: Autosomal dominant inheritance. Affected: yes.

Literature cited by the submitters: PubMed 35300924 (cited by Duke University Health System Sequencing Clinic, Duke University Health System).